The following is an entry in ClinVar:

NM_001378615.1(CC2D2A):c.1440del (p.Ile481fs)

Genes: FBXL5 (F-box and leucine rich repeat protein 5; minus strand), CC2D2A (coiled-coil and C2 domain containing 2A; plus strand). Cytogenetic location: 4p15.32.
Variant type: Deletion.
Coding change: c.1440del on transcript NM_001378615.1 (MANE Select); coding-DNA position 1440, one base deleted (C; older notation c.1440delC).
Protein change: p.Ile481fs; shifts the reading frame from isoleucine 481.
Molecular consequence: frameshift variant.
Genome position (GRCh38, 1-based): chr4:15,528,700, C deleted; the last of 2 consecutive C bases (chr4:15,528,699-15,528,700); deleting either gives the same sequence. VCF-style (leftmost placement, unchanged base first): chr4-15528698-AC-A. GRCh37 (hg19) VCF-style: chr4-15530321-AC-A.
Other names: c.1440del, p.Ile481fs (NM_001080522.2); c.1293del, p.Ile432fs (NM_001378617.1); short protein forms I432fs, I481fs.
Identifiers: ClinVar variation 2117011 (VCV002117011.4), dbSNP rs2474955188, ClinGen allele CA2580070862.

ClinVar aggregate classification (germline): Pathogenic (1 of 4 stars; one submission).

Conditions:
Joubert syndrome. Also called: JOUBERT-BOLTSHAUSER SYNDROME; Familial aplasia of the vermis. Identifiers: Orphanet 475, MedGen C5979921, MONDO:0018772.
Meckel-Gruber syndrome. Also called: DYSENCEPHALIA SPLANCHNOCYSTICA; GRUBER SYNDROME; Dysencephalia splachnocystica. Identifiers: Orphanet 564, MedGen C0265215, MONDO:0018921.

Submission:

Labcorp Genetics (formerly Invitae), Labcorp
Classification: Pathogenic for Joubert syndrome; Meckel-Gruber syndrome. Last evaluated: 2022-03-26. Review status: criteria provided, single submitter. Criteria: Invitae Variant Classification Sherloc (09022015). Collection method: clinical testing. Allele origin: germline.
Comment: For these reasons, this variant has been classified as Pathogenic. Algorithms developed to predict the effect of sequence changes on RNA splicing suggest that this variant may disrupt the consensus splice site. This variant has not been reported in the literature in individuals affected with CC2D2A-related conditions. This variant is not present in population databases (gnomAD no frequency). This sequence change creates a premature translational stop signal (p.Ile481Serfs*30) in the CC2D2A gene. It is expected to result in an absent or disrupted protein product. Loss-of-function variants in CC2D2A are known to be pathogenic (PMID: 19777577).

Literature cited by the submitters: PubMed 19777577.